The following is an entry in ClinVar:

ClinVar aggregate classification (germline): Uncertain significance. Review status: criteria provided, multiple submitters, no conflicts (2 of 4 stars). 3 submissions from 3 submitters: Uncertain significance (3). Last evaluated 2025-04-10.

Conditions:
Inborn genetic diseases. Identifiers: MedGen C0950123, MeSH D030342.

Allele frequency attached by ClinVar (database versions not stated): ExAC 0.00002; TOPMed 0.00002; gnomAD exomes 0.00001.
gnomAD v4.1: 11 of 1,614,064 alleles (0.00068%); highest among the groups gnomAD compares: Admixed American, 0.005%; no homozygotes.

Submissions (3):

Ambry Genetics
Classification: Uncertain significance for Inborn genetic diseases. Last evaluated: 2025-04-10. Review status: criteria provided, single submitter. Criteria: Ambry Variant Classification Scheme 2023. Collection method: clinical testing. Allele origin: germline.

Women's Health and Genetics/Laboratory Corporation of America, LabCorp
Classification: Uncertain significance. Last evaluated: 2022-06-28. Review status: criteria provided, single submitter. Criteria: LabCorp Variant Classification Summary - May 2015. Collection method: clinical testing. Allele origin: germline.
Comment: Variant summary: MTTP c.74G>A (p.Gly25Asp) results in a non-conservative amino acid change in the encoded protein sequence. Five of five in-silico tools predict a damaging effect of the variant on protein function. The variant allele was found at a frequency of 1.2e-05 in 251464 control chromosomes (gnomAD). The available data on variant occurrences in the general population are insufficient to allow any conclusion about variant significance. To our knowledge, no occurrence of c.74G>A in individuals affected with Abetalipoproteinaemia (Bassen-Kornzweig Syndrome) and no experimental evidence demonstrating its impact on protein function have been reported. One clinical diagnostic laboratory has submitted a clinical-significance assessment for this variant to ClinVar after 2014 and classified the variant as uncertain significance. Based on the evidence outlined above, the variant was classified as uncertain significance.

Labcorp Genetics (formerly Invitae), Labcorp
Classification: Uncertain significance. Last evaluated: 2022-02-25. Review status: criteria provided, single submitter. Criteria: Invitae Variant Classification Sherloc (09022015). Collection method: clinical testing. Allele origin: germline.
Comment: This sequence change replaces glycine, which is neutral and non-polar, with aspartic acid, which is acidic and polar, at codon 25 of the MTTP protein (p.Gly25Asp). This variant is present in population databases (rs762413666, gnomAD 0.009%). This variant has not been reported in the literature in individuals affected with MTTP-related conditions. Algorithms developed to predict the effect of missense changes on protein structure and function are either unavailable or do not agree on the potential impact of this missense change (SIFT: "Tolerated"; PolyPhen-2: "Probably Damaging"; Align-GVGD: "Class C0"). In summary, the available evidence is currently insufficient to determine the role of this variant in disease. Therefore, it has been classified as a Variant of Uncertain Significance.

NM_001386140.1(MTTP):c.74G>A (p.Gly25Asp)

Gene: MTTP (microsomal triglyceride transfer protein; plus strand). Cytogenetic location: 4q23.
Variant type: single nucleotide variant.
Coding change: c.74G>A on transcript NM_001386140.1 (MANE Select); coding-DNA position 74, G replaced by A.
Protein change: p.Gly25Asp; replaces glycine 25 with aspartic acid.
Molecular consequence: missense variant. On other transcripts: 5 prime UTR variant (1).
Genome position (GRCh38, 1-based): chr4:99,581,917, G>A. VCF-style: chr4-99581917-G-A. GRCh37 (hg19) VCF-style: chr4-100503074-G-A.
Other names: c.74G>A, p.Gly25Asp (NM_000253.4); c.-176G>A (NM_001300785.2); c.74G>A (NM_000253.2); short protein forms G25D.
Identifiers: ClinVar variation 1401180 (VCV001401180.6), dbSNP rs762413666, ClinGen allele CA3021740.